The following is an entry in ClinVar:

ClinVar aggregate classification (germline): Uncertain significance. Review status: criteria provided, multiple submitters, no conflicts (2 of 4 stars). 2 submissions from 2 submitters: Uncertain significance (2). Last evaluated 2024-11-18.

Conditions:
Neuropathy, hereditary sensory and autonomic, type 2A (HSAN2A). Also called: HSAN IIA; MORVAN DISEASE; NEUROPATHY, CONGENITAL SENSORY; NEUROPATHY, HEREDITARY SENSORY RADICULAR, AUTOSOMAL RECESSIVE; NEUROPATHY, HEREDITARY SENSORY, TYPE IIA; NEUROPATHY, PROGRESSIVE SENSORY, OF CHILDREN. Identifiers: Orphanet 970, MedGen C2752089, MONDO:0024309, OMIM 201300.
Generalized epilepsy with febrile seizures plus, type 7 (GEFSP7). Also called: GEFS+, TYPE 7. Identifiers: Orphanet 36387, MedGen C2751778, MONDO:0013470, OMIM 613863.

Allele frequency attached by ClinVar (database versions not stated): TOPMed below 0.00001.

Submissions (2):

Women's Health and Genetics/Laboratory Corporation of America, LabCorp
Classification: Uncertain significance. Last evaluated: 2024-11-18. Review status: criteria provided, single submitter. Criteria: LabCorp Variant Classification Summary - May 2015. Collection method: clinical testing. Allele origin: germline.
Comment: Variant summary: SCN9A c.5618T>C (p.Leu1873Pro) results in a non-conservative amino acid change in the encoded protein sequence. Five of five in-silico tools predict a damaging effect of the variant on protein function. The frequency data for this variant in gnomAD is considered unreliable, as metrics indicate poor data quality at this position. To our knowledge, no occurrence of c.5618T>C in individuals affected with Channelopathy-Associated Congenital Insensitivity To Pain, Autosomal Recessive and no experimental evidence demonstrating its impact on protein function have been reported. ClinVar contains an entry for this variant (Variation ID: 2197159). Based on the evidence outlined above, the variant was classified as uncertain significance.

Labcorp Genetics (formerly Invitae), Labcorp
Classification: Uncertain significance for Neuropathy, hereditary sensory and autonomic, type 2A; Generalized epilepsy with febrile seizures plus, type 7. Last evaluated: 2022-08-22. Review status: criteria provided, single submitter. Criteria: Invitae Variant Classification Sherloc (09022015). Collection method: clinical testing. Allele origin: germline.
Comment: This variant has not been reported in the literature in individuals affected with SCN9A-related conditions. This variant is not present in population databases (gnomAD no frequency). This sequence change replaces leucine, which is neutral and non-polar, with proline, which is neutral and non-polar, at codon 1873 of the SCN9A protein (p.Leu1873Pro). Algorithms developed to predict the effect of missense changes on protein structure and function (SIFT, PolyPhen-2, Align-GVGD) all suggest that this variant is likely to be disruptive. In summary, the available evidence is currently insufficient to determine the role of this variant in disease. Therefore, it has been classified as a Variant of Uncertain Significance.

NM_001365536.1(SCN9A):c.5651T>C (p.Leu1884Pro)

Genes: SCN1A-AS1 (SCN1A and SCN9A antisense RNA 1; plus strand), SCN9A (sodium voltage-gated channel alpha subunit 9; minus strand). Cytogenetic location: 2q24.3.
Variant type: single nucleotide variant.
Coding change: c.5651T>C on transcript NM_001365536.1 (MANE Select); coding-DNA position 5651, T replaced by C.
Protein change: p.Leu1884Pro; replaces leucine 1884 with proline.
Molecular consequence: missense variant.
Genome position (GRCh38, 1-based): chr2:166,198,988, A>G on the plus strand (T>C on the coding strand, the complement: SCN9A is on the minus strand). VCF-style: chr2-166198988-A-G. GRCh37 (hg19) VCF-style: chr2-167055498-A-G.
Other names: c.5618T>C, p.Leu1873Pro (NM_002977.4); short protein forms L1884P, L1873P.
Identifiers: ClinVar variation 2197159 (VCV002197159.5), dbSNP rs1693342834, ClinGen allele CA349051802.